The following is an entry in ClinVar:

ClinVar aggregate classification (germline): Likely benign. Review status: criteria provided, single submitter (1 of 4 stars). 2 submissions from 2 submitters: Likely benign (1). 1 of the submissions does not count toward it. Last evaluated 2022-06-15.

Conditions:
CACNA1H-related disorder.
Idiopathic generalized epilepsy. Also called: Generalised epilepsy; EIG. Identifiers: MedGen C0270850, MONDO:0005579, OMIM 600669.
Hyperaldosteronism, familial, type IV (HALD4). Also called: FH IV; ALDOSTERONISM, PRIMARY, AND HYPERTENSION. Identifiers: Orphanet 642671, MedGen C4310756, MONDO:0014875, OMIM 617027.

Allele frequency attached by ClinVar (database versions not stated): TOPMed below 0.00001; gnomAD 0.00001; gnomAD exomes 0.00001; ExAC 0.00002.
gnomAD v4.1: 15 of 1,611,596 alleles (0.00093%); highest among the groups gnomAD compares: Non-Finnish European, 0.0013%; no homozygotes.

Submissions (2):

Labcorp Genetics (formerly Invitae), Labcorp
Classification: Likely benign for Idiopathic generalized epilepsy; Hyperaldosteronism, familial, type IV. Last evaluated: 2022-06-15. Review status: criteria provided, single submitter. Criteria: Invitae Variant Classification Sherloc (09022015). Collection method: clinical testing. Allele origin: germline.

PreventionGenetics, part of Exact Sciences
Classification: Likely benign for CACNA1H-related condition. Last evaluated: 2019-06-26. Review status: no assertion criteria provided. Collection method: clinical testing. Allele origin: germline. Not counted in ClinVar's aggregate classification.
Comment: This variant is classified as likely benign based on ACMG/AMP sequence variant interpretation guidelines (Richards et al. 2015 PMID: 25741868, with internal and published modifications).

NM_021098.3(CACNA1H):c.6771G>T (p.Arg2257=)

Gene: CACNA1H (calcium voltage-gated channel subunit alpha1 H; plus strand). Cytogenetic location: 16p13.3.
Variant type: single nucleotide variant.
Coding change: c.6771G>T on transcript NM_021098.3 (MANE Select); coding-DNA position 6771, G replaced by T.
Protein change: p.Arg2257=; no amino-acid change (arginine 2257 retained).
Molecular consequence: synonymous variant.
Genome position (GRCh38, 1-based): chr16:1,220,703, G>T. VCF-style: chr16-1220703-G-T. GRCh37 (hg19) VCF-style: chr16-1270703-G-T.
Other names: c.6753G>T, p.Arg2251= (NM_001005407.2); c.6771G>T (NM_021098.2).
Identifiers: ClinVar variation 1658459 (VCV001658459.9), dbSNP rs763302946, ClinGen allele CA7802495.